The following is an entry in ClinVar:

ClinVar aggregate classification (germline): Uncertain significance (1 of 4 stars; one submission).

Conditions:
Intellectual developmental disorder with speech delay, autism, and dysmorphic facies. Identifiers: MedGen C5231456, MONDO:0032864, OMIM 618672.

Submission:

Human Genetics Bochum, Ruhr University Bochum
Classification: Uncertain significance for Intellectual developmental disorder with speech delay, autism, and dysmorphic facies. Last evaluated: 2025-08-12. Review status: criteria provided, single submitter. Criteria: ACMG Guidelines, 2015. Collection method: clinical testing. Allele origin: germline. Affected: yes.
Comment: ACMG criteria used to clasify this variant: PM4, PM2_SUP

NM_014516.4(CNOT3):c.1232GTA[1] (p.Ser412del)

Gene: CNOT3 (CCR4-NOT transcription complex subunit 3; plus strand). Cytogenetic location: 19q13.42.
Variant type: Microsatellite.
Coding change: c.1232GTA[1] on transcript NM_014516.4 (MANE Select); one copy of the 3-base unit GTA starting at c.1232; the reference has two copies in a row; one copy, 3 bases deleted; also written c.1235_1237del.
Protein change: p.Ser412del; deletes serine 412.
Molecular consequence: non-coding transcript variant (on NR_199730.1).
Genome position (GRCh38, 1-based): chr19:54,148,488-54,148,490, GTA deleted; deleting any 3 consecutive bases within chr19:54,148,484-54,148,490 gives the same sequence; the position shown is the placement nearest the transcript's 3' end. VCF-style (leftmost placement, unchanged base first): chr19-54148483-CAGT-C. GRCh37 (hg19) VCF-style: chr19-54652218-CAGT-C.
Other names: c.689GTA[1], p.Ser231del (NM_001440659.1, NM_001440660.1); c.1235GTA[1], p.Ser413del (NM_001440661.1, NM_001440662.1, NM_001440663.1 and 3 more transcripts); c.1232GTA[1], p.Ser412del (NM_001440664.1, NM_001440654.1, NM_001440656.1 and 1 more transcripts); c.1235_1237del (NM_014516.4); short protein forms S231del, S412del, S413del.
Identifiers: ClinVar variation 4687944 (VCV004687944.1).
Genomic context (GRCh38, chr19:54,148,483, plus strand): 5'-CCCCAGCGTCCAGCCTAGCGGAGGCGGAGGCGGCGGCAGCGGAGGCGGAGGGAGCAGCAG[CAGT>C]AGTAACAGCAGTGCCGGTGGAGGGGCTGGCAAGCAGAATGGCGCCACCAGTGAGTGAGGA-3'